The following is an entry in ClinVar:

NM_000388.4(CASR):c.443G>T (p.Gly148Val)

Gene: CASR (calcium sensing receptor; plus strand). Cytogenetic location: 3q21.1.
Variant type: single nucleotide variant.
Coding change: c.443G>T on transcript NM_000388.4 (MANE Select); coding-DNA position 443, G replaced by T.
Protein change: p.Gly148Val; replaces glycine 148 with valine.
Molecular consequence: missense variant.
Genome position (GRCh38, 1-based): chr3:122,257,338, G>T. VCF-style: chr3-122257338-G-T. GRCh37 (hg19) VCF-style: chr3-121976185-G-T.
Other names: c.443G>T, p.Gly148Val (NM_001178065.2); short protein forms G148V.
Identifiers: ClinVar variation 4991164 (VCV004991164.1).
Genomic context (GRCh38, chr3:122,257,338, plus strand): 5'-TCTGCAACTGCTCAGAGCACATTCCCTCTACGATTGCTGTGGTGGGAGCAACTGGCTCAG[G>T]CGTCTCCACGGCAGTGGCAAATCTGCTGGGGCTCTTCTACATTCCCCAGGTACTCAAGCC-3'
Protein context (NP_000379.3, residues 138-158): TIAVVGATGS[Gly148Val]VSTAVANLLG

ClinVar aggregate classification (germline): Uncertain significance (1 of 4 stars; one submission).

Conditions:
CASR-related disorder. Also called: CASR-related condition.

Submission:

PreventionGenetics, part of Exact Sciences
Classification: Uncertain significance for CASR-related condition. Last evaluated: 2025-10-02. Review status: criteria provided, single submitter. Criteria: ACMG Guidelines, 2015. Collection method: clinical testing. Allele origin: germline.
Comment: The CASR c.443G>T variant is predicted to result in the amino acid substitution p.Gly148Val. To our knowledge, this variant has not been reported in the literature or in a large population database (gnomAD), indicating this variant is rare. At this time, the clinical significance of this variant is uncertain due to the absence of conclusive functional and genetic evidence.